The following is an entry in ClinVar:

NM_198880.3(QRICH1):c.1335T>G (p.Cys445Trp)

Gene: QRICH1 (glutamine rich 1; minus strand). Cytogenetic location: 3p21.31.
Variant type: single nucleotide variant.
Coding change: c.1335T>G on transcript NM_198880.3 (MANE Select); coding-DNA position 1335, T replaced by G.
Protein change: p.Cys445Trp; replaces cysteine 445 with tryptophan.
Molecular consequence: missense variant.
Genome position (GRCh38, 1-based): chr3:49,056,865, A>C on the plus strand (T>G on the coding strand, the complement: QRICH1 is on the minus strand). VCF-style: chr3-49056865-A-C. GRCh37 (hg19) VCF-style: chr3-49094298-A-C.
Other names: c.1335T>G, p.Cys445Trp (NM_001320580.2, NM_001320581.2, NM_001320582.2 and 4 more transcripts); short protein forms C445W.
Identifiers: ClinVar variation 3572756 (VCV003572756.1).

ClinVar aggregate classification (germline): Uncertain significance (1 of 4 stars; one submission).

Submission:

GeneDx
Classification: Uncertain significance. Last evaluated: 2024-07-09. Review status: criteria provided, single submitter. Criteria: GeneDx Variant Classification Process June 2021. Collection method: clinical testing. Allele origin: germline. Affected: yes.
Comment: Not observed at significant frequency in large population cohorts (gnomAD); In silico analysis supports a deleterious effect on splicing; In silico analysis indicates that this missense variant does not alter protein structure/function; Has not been previously published as pathogenic or benign to our knowledge